The following is an entry in ClinVar:

NM_000276.4(OCRL):c.349+2T>G

Gene: OCRL (OCRL inositol polyphosphate-5-phosphatase; plus strand). Cytogenetic location: Xq26.1.
Variant type: single nucleotide variant.
Coding change: c.349+2T>G on transcript NM_000276.4 (MANE Select); the canonical splice donor site of the intron after coding-DNA position 349, T replaced by G.
Molecular consequence: splice donor variant.
Genome position (GRCh38, 1-based): chrX:129,557,437, T>G. VCF-style: chrX-129557437-T-G. GRCh37 (hg19) VCF-style: chrX-128691414-T-G.
Other names: c.352+2T>G (NM_001318784.2); c.349+2T>G (NM_001587.4).
Identifiers: ClinVar variation 2863080 (VCV002863080.3), dbSNP rs2521873405, ClinGen allele CA414551026.
Genomic context (GRCh38, chrX:129,557,437, plus strand): 5'-AATCCCTGATGAGGAACACTGTTTGAAGTTCCTCTCAGCTGTCCTTGCTGCTCAGAAAGG[T>G]AACTAAAGACTCAGCGATTTTCTTTCTTCTATTTCAACGGGAGTGGAATTCTGACATGCT-3'

ClinVar aggregate classification (germline): Likely pathogenic (1 of 4 stars; one submission).

Conditions:
Lowe syndrome (OCRL). Also called: LOWE OCULOCEREBRORENAL SYNDROME; PHOSPHATIDYLINOSITOL 4,5-BISPHOSPHATE 5-PHOSPHATASE DEFICIENCY; Oculocerebrorenal Syndrome. Identifiers: Orphanet 534, MedGen C0028860, MONDO:0010645, OMIM 309000.

Submission:

Labcorp Genetics (formerly Invitae), Labcorp
Classification: Likely pathogenic for Lowe syndrome. Last evaluated: 2023-05-11. Review status: criteria provided, single submitter. Criteria: Invitae Variant Classification Sherloc (09022015). Collection method: clinical testing. Allele origin: germline.
Comment: This variant has not been reported in the literature in individuals affected with OCRL-related conditions. Algorithms developed to predict the effect of sequence changes on RNA splicing suggest that this variant may disrupt the consensus splice site. In summary, the currently available evidence indicates that the variant is pathogenic, but additional data are needed to prove that conclusively. Therefore, this variant has been classified as Likely Pathogenic. This variant is not present in population databases (gnomAD no frequency). This sequence change affects a donor splice site in intron 5 of the OCRL gene. It is expected to disrupt RNA splicing. Variants that disrupt the donor or acceptor splice site typically lead to a loss of protein function (PMID: 16199547), and loss-of-function variants in OCRL are known to be pathogenic (PMID: 19390221, 21031565, 22381590).

Literature cited by the submitters: PubMed 16199547; PubMed 19390221; PubMed 21031565; PubMed 22381590.